The following is an entry in ClinVar:

ClinVar aggregate classification (germline): Uncertain significance (1 of 4 stars; one submission).

Conditions:
Primary ciliary dyskinesia. Also called: Ciliary dyskinesia. Identifiers: Orphanet 244, MedGen C0008780, MONDO:0016575, HP:0012265.

Submission:

Labcorp Genetics (formerly Invitae), Labcorp
Classification: Uncertain significance for Primary ciliary dyskinesia. Last evaluated: 2020-02-14. Review status: criteria provided, single submitter. Criteria: Invitae Variant Classification Sherloc (09022015). Collection method: clinical testing. Allele origin: germline.
Comment: In summary, the available evidence is currently insufficient to determine the role of this variant in disease. Therefore, it has been classified as a Variant of Uncertain Significance. Algorithms developed to predict the effect of missense changes on protein structure and function are either unavailable or do not agree on the potential impact of this missense change (SIFT: "Tolerated"; PolyPhen-2: "Probably Damaging"; Align-GVGD: "Class C0"). This variant has not been reported in the literature in individuals with DNAH5-related conditions. This variant is not present in population databases (ExAC no frequency). This sequence change replaces glycine with alanine at codon 4338 of the DNAH5 protein (p.Gly4338Ala). The glycine residue is weakly conserved and there is a small physicochemical difference between glycine and alanine.

NM_001369.3(DNAH5):c.13013G>C (p.Gly4338Ala)

Gene: DNAH5 (dynein axonemal heavy chain 5; minus strand). Cytogenetic location: 5p15.2.
Variant type: single nucleotide variant.
Coding change: c.13013G>C on transcript NM_001369.3 (MANE Select); coding-DNA position 13013, G replaced by C.
Protein change: p.Gly4338Ala; replaces glycine 4338 with alanine.
Molecular consequence: missense variant.
Genome position (GRCh38, 1-based): chr5:13,714,517, C>G on the plus strand (G>C on the coding strand, the complement: DNAH5 is on the minus strand). VCF-style: chr5-13714517-C-G. GRCh37 (hg19) VCF-style: chr5-13714626-C-G.
Other names: short protein forms G4338A.
Identifiers: ClinVar variation 1035278 (VCV001035278.17), dbSNP rs1744030966, ClinGen allele CA359201637.
Genomic context (GRCh38, chr5:13,714,517, plus strand): 5'-CGGGCCACCACCGCCTCCCGGGTCTCATCCCCTCCACCAGAGGTGTCCTTGGGTTGGATG[C>G]CTAGGATGGTGTCCAGCACGTCCTTGGCCAGCTTGCTCTGGTAGGTGATGTCAGCATTGG-3'
Protein context (NP_001360.1, residues 4328-4348): LAKDVLDTIL[Gly4338Ala]IQPKDTSGGG